The following is an entry in ClinVar:

NM_001134407.3(GRIN2A):c.4307A>G (p.Asn1436Ser)

Gene: GRIN2A (glutamate ionotropic receptor NMDA type subunit 2A; minus strand). Cytogenetic location: 16p13.2.
Variant type: single nucleotide variant.
Coding change: c.4307A>G on transcript NM_001134407.3 (MANE Select); coding-DNA position 4307, A replaced by G.
Protein change: p.Asn1436Ser; replaces asparagine 1436 with serine.
Molecular consequence: missense variant. On other transcripts: 3 prime UTR variant (1).
Genome position (GRCh38, 1-based): chr16:9,763,237, T>C on the plus strand (A>G on the coding strand, the complement: GRIN2A is on the minus strand). VCF-style: chr16-9763237-T-C. GRCh37 (hg19) VCF-style: chr16-9857094-T-C.
Other names: p.N1436S:AAT>AGT; c.4307A>G, p.Asn1436Ser (NM_000833.5); c.*118A>G (NM_001134408.2); short protein forms N1436S.
Identifiers: ClinVar variation 205683 (VCV000205683.61), dbSNP rs77029288, ClinGen allele CA314998.

ClinVar aggregate classification (germline): Conflicting classifications of pathogenicity. Review status: criteria provided, conflicting classifications (1 of 4 stars). 14 submissions from 14 submitters: Uncertain significance (2); Benign (4); Likely benign (6). 2 of the submissions do not count toward it. Last evaluated 2026-03-01.

Conditions:
GRIN2A-related complex neurodevelopmental disorder. Also called: GRIN2A-related disorder; GRIN2A-related condition. Identifiers: MedGen CN379781, MONDO:1060139.
Inborn genetic diseases. Identifiers: MedGen C0950123, MeSH D030342.
Landau-Kleffner syndrome (FESD). Also called: APHASIA, ACQUIRED, WITH EPILEPSY; EPILEPSY, FOCAL, WITH SPEECH DISORDER AND WITH OR WITHOUT MENTAL RETARDATION. Identifiers: Orphanet 1945, Orphanet 725, Orphanet 98818, MedGen C0282512, MONDO:0009509, OMIM 245570.

Allele frequency attached by ClinVar (database versions not stated): ESP Exome Variant Server 0.00038; TOPMed 0.00059; gnomAD exomes 0.00062 and 0.00109; ExAC 0.00067; gnomAD 0.00068.
gnomAD v4.1: 1,663 of 1,613,986 alleles (0.1%); highest among the groups gnomAD compares: Non-Finnish European, 0.13%; 1 homozygote.

Submissions (14):

CeGaT Center for Human Genetics Tuebingen
Classification: Likely benign. Last evaluated: 2026-03-01. Review status: criteria provided, single submitter. Criteria: CeGaT Center For Human Genetics Tuebingen Variant Classification Criteria Version 2. Collection method: clinical testing. Allele origin: germline. Affected: yes. Observed: 7 variant alleles.
Comment: GRIN2A: BS1

Labcorp Genetics (formerly Invitae), Labcorp
Classification: Likely benign for Landau-Kleffner syndrome. Last evaluated: 2026-02-02. Review status: criteria provided, single submitter. Criteria: Invitae Variant Classification Sherloc (09022015). Collection method: clinical testing. Allele origin: germline.

Mayo Clinic Laboratories, Mayo Clinic
Classification: Likely benign. Last evaluated: 2025-03-26. Review status: criteria provided, single submitter. Criteria: ACMG Guidelines, 2015. Collection method: clinical testing. Allele origin: germline. Observed: 2 variant alleles.
Comment: BS1, BP4_moderate

Blueprint Genetics
Classification: Likely benign. Last evaluated: 2024-11-21. Review status: criteria provided, single submitter. Criteria: ACMG Guidelines, 2015. Collection method: clinical testing. Allele origin: germline.

Athena Diagnostics
Classification: Benign. Last evaluated: 2019-12-30. Review status: criteria provided, single submitter. Criteria: Athena Diagnostics Criteria. Collection method: clinical testing. Allele origin: unknown.

Ambry Genetics
Classification: Benign for Inborn genetic diseases. Last evaluated: 2019-04-26. Review status: criteria provided, single submitter. Criteria: Ambry Variant Classification Scheme 2023. Collection method: clinical testing. Allele origin: germline.

Illumina Laboratory Services, Illumina
Classification: Benign for Landau-Kleffner syndrome. Last evaluated: 2018-01-13. Review status: criteria provided, single submitter. Criteria: ICSL Variant Classification Criteria 13 December 2019. Collection method: clinical testing. Allele origin: germline.
Comment: This variant was observed in the ICSL laboratory as part of a predisposition screen in an ostensibly healthy population. It had not been previously curated by ICSL or reported in the Human Gene Mutation Database (HGMD: prior to June 1st, 2018), and was therefore a candidate for classification through an automated scoring system. Utilizing variant allele frequency, disease prevalence and penetrance estimates, and inheritance mode, an automated score was calculated to assess if this variant is too frequent to cause the disease. Based on the score and internal cut-off values, a variant classified as benign is not then subjected to further curation. The score for this variant resulted in a classification of benign for this disease.

Eurofins Ntd Llc (ga)
Classification: Uncertain significance. Last evaluated: 2017-08-16. Review status: criteria provided, single submitter. Criteria: EGL Classification Definitions 2015. Collection method: clinical testing. Allele origin: germline. Observed: 6 variant alleles, 6 heterozygotes.

Clinical Genetics DNA and cytogenetics Diagnostics Lab, Erasmus MC, Erasmus Medical Center
Classification: Likely benign for Landau-Kleffner syndrome. Last evaluated: 2017-06-28. Review status: criteria provided, single submitter. Criteria: ACGS Guidelines, 2013. Collection method: clinical testing. Allele origin: germline. Affected: yes. Study: VKGL Data-share Consensus.

GeneDx
Classification: Benign. Last evaluated: 2017-01-11. Review status: criteria provided, single submitter. Criteria: GeneDx Variant Classification (06012015). Collection method: clinical testing. Allele origin: germline. Affected: yes.
Comment: This variant is considered likely benign or benign based on one or more of the following criteria: it is a conservative change, it occurs at a poorly conserved position in the protein, it is predicted to be benign by multiple in silico algorithms, and/or has population frequency not consistent with disease.

Genetic Services Laboratory, University of Chicago
Classification: Uncertain significance. Last evaluated: 2015-12-09. Review status: criteria provided, single submitter. Criteria: ACMG Guidelines, 2015. Collection method: clinical testing. Allele origin: germline. Affected: no.

Genome Diagnostics Laboratory, University Medical Center Utrecht
Classification: Likely benign for Landau-Kleffner syndrome. Last evaluated: 2015-12-09. Review status: criteria provided, single submitter. Criteria: ACGS Guidelines, 2013. Collection method: clinical testing. Allele origin: germline. Affected: yes. Study: VKGL Data-share Consensus.

PreventionGenetics, part of Exact Sciences
Classification: Likely benign for GRIN2A-related condition. Last evaluated: 2020-07-28. Review status: no assertion criteria provided. Collection method: clinical testing. Allele origin: germline. Not counted in ClinVar's aggregate classification.
Comment: This variant is classified as likely benign based on ACMG/AMP sequence variant interpretation guidelines (Richards et al. 2015 PMID: 25741868, with internal and published modifications).

Diagnostic Laboratory, Department of Genetics, University Medical Center Groningen
Classification: Likely benign for Landau-Kleffner syndrome. Review status: no assertion criteria provided. Collection method: clinical testing. Allele origin: germline. Affected: yes. Study: VKGL Data-share Consensus. Not counted in ClinVar's aggregate classification.